The following is an entry in ClinVar:

NM_000478.6(ALPL):c.1151C>A (p.Thr384Lys)

Gene: ALPL (alkaline phosphatase, biomineralization associated; plus strand). Cytogenetic location: 1p36.12.
Variant type: single nucleotide variant.
Coding change: c.1151C>A on transcript NM_000478.6 (MANE Select); coding-DNA position 1151, C replaced by A.
Protein change: p.Thr384Lys; replaces threonine 384 with lysine.
Molecular consequence: missense variant.
Genome position (GRCh38, 1-based): chr1:21,575,886, C>A. VCF-style: chr1-21575886-C-A. GRCh37 (hg19) VCF-style: chr1-21902379-C-A.
Other names: c.986C>A, p.Thr329Lys (NM_001127501.4); c.920C>A, p.Thr307Lys (NM_001177520.3); c.1151C>A, p.Thr384Lys (NM_001369803.2, NM_001369804.2, NM_001369805.2); short protein forms T307K, T329K, T384K.
Identifiers: ClinVar variation 4542551 (VCV004542551.1).

ClinVar aggregate classification (germline): Likely pathogenic (1 of 4 stars; one submission).

Conditions:
Hypophosphatasia. Also called: Phosphoethanol-aminuria. Identifiers: Orphanet 436, MedGen C0020630, MeSH D007014, MONDO:0018570.

Submission:

JKU Lab, Dept of Paediatrics, Johannes Kepler University
Classification: Likely pathogenic for Hypophosphatasia. Last evaluated: 2025-12-11. Review status: criteria provided, single submitter. Criteria: ACMG Guidelines, 2015. Collection method: curation, in vitro. Allele origin: germline, not applicable. Affected: yes. Functional consequence: decreased enzyme activity.
Comment: This missense variant is not present in GnomAD 4.1 and affects a highly conserved amino acid in the homodimeric interface domain. The variant is predicted to affect protein function (REVEL score: 0.763). Splice-prediction algorithms predict no effect on splicing. In vitro functional studies showed reduced ALP activity with a dominant negative effect. This variant has been reported in the literature in individuals affected by ALPL-related conditions (PMID:38310522). The results of the functional testing and the applied ACMG criteria can be viewed at an online resource

Literature cited by the submitters: PubMed 38310522.